The following is an entry in ClinVar:

ClinVar aggregate classification (germline): Uncertain significance. Review status: criteria provided, single submitter (1 of 4 stars). 2 submissions from 2 submitters: Uncertain significance (1). 1 of the submissions does not count toward it. Last evaluated 2022-06-06.

Conditions:
Aspartylglucosaminuria (AGU). Also called: Aspartylglucos-aminuria; Aspartylglucos-amidase (AGA) deficiency; AGA DEFICIENCY; GLYCOASPARAGINASE; GLYCOSYLASPARAGINASE DEFICIENCY. Identifiers: Orphanet 93, MedGen C0268225, MONDO:0008830, OMIM 208400, HP:0012068.

Allele frequency attached by ClinVar (database versions not stated): gnomAD exomes 0.00001 and below 0.00001; gnomAD 0.00003; TOPMed 0.00001.
gnomAD v4.1: 16 of 1,610,510 alleles (0.00099%); highest among the groups gnomAD compares: Non-Finnish European, 0.0012%; no homozygotes.

Submissions (2):

GeneDx
Classification: Uncertain significance. Last evaluated: 2022-06-06. Review status: criteria provided, single submitter. Criteria: GeneDx Variant Classification Process June 2021. Collection method: clinical testing. Allele origin: germline. Affected: yes.
Comment: Not observed at significant frequency in large population cohorts (gnomAD); In silico analysis supports that this missense variant has a deleterious effect on protein structure/function; This variant is associated with the following publications: (PMID: 33439067, 23271757)

Juha Muilu Group; Institute for Molecular Medicine Finland (FIMM)
Classification: Likely pathogenic for Aspartylglycosaminuria. Review status: no assertion criteria provided. Collection method: not provided. Allele origin: unknown. Not counted in ClinVar's aggregate classification.
Comment: FinDis database variant: This variant was not found or characterized by our laboratory, data were collected from public sources: see reference
ClinVar note: Converted during submission from probable-pathogenic to Likely pathogenic.

NM_000027.4(AGA):c.439T>C (p.Ser147Pro)

Gene: AGA (aspartylglucosaminidase; minus strand). Cytogenetic location: 4q34.3.
Variant type: single nucleotide variant.
Coding change: c.439T>C on transcript NM_000027.4 (MANE Select); coding-DNA position 439, T replaced by C.
Protein change: p.Ser147Pro; replaces serine 147 with proline.
Molecular consequence: missense variant. On other transcripts: non-coding transcript variant (1).
Genome position (GRCh38, 1-based): chr4:177,438,813, A>G on the plus strand (T>C on the coding strand, the complement: AGA is on the minus strand). VCF-style: chr4-177438813-A-G. GRCh37 (hg19) VCF-style: chr4-178359967-A-G.
Other names: c.439T>C, p.Ser147Pro (NM_001171988.2); short protein forms S147P.
Identifiers: ClinVar variation 55947 (VCV000055947.5), dbSNP rs386833428, ClinGen allele CA144023.